The following is an entry in ClinVar:

ClinVar aggregate classification (germline): Benign (1 of 4 stars; one submission).

Allele frequency attached by ClinVar (database versions not stated): 1000 Genomes Project 30x 0.02202; 1000 Genomes Project 0.02276; TOPMed 0.03399; gnomAD 0.03723 and 0.03754.

Submission:

GeneDx
Classification: Benign. Last evaluated: 2018-06-14. Review status: criteria provided, single submitter. Criteria: GeneDx Variant Classification (06012015). Collection method: clinical testing. Allele origin: germline. Affected: yes.
Comment: This variant is considered likely benign or benign based on one or more of the following criteria: it is a conservative change, it occurs at a poorly conserved position in the protein, it is predicted to be benign by multiple in silico algorithms, and/or has population frequency not consistent with disease.

NM_001080449.3(DNA2):c.1058-312C>T

Gene: DNA2 (DNA replication helicase/nuclease 2; minus strand). Cytogenetic location: 10q21.3.
Variant type: single nucleotide variant.
Coding change: c.1058-312C>T on transcript NM_001080449.3 (MANE Select); 312 bases into the intron before coding-DNA position 1058, C replaced by T.
Molecular consequence: intron variant.
Genome position (GRCh38, 1-based): chr10:68,445,395, G>A on the plus strand (C>T on the coding strand, the complement: DNA2 is on the minus strand). VCF-style: chr10-68445395-G-A. GRCh37 (hg19) VCF-style: chr10-70205152-G-A.
Identifiers: ClinVar variation 669716 (VCV000669716.1), dbSNP rs61855131, ClinGen allele CA13245828.